The following is an entry in ClinVar:

ClinVar aggregate classification (germline): Benign/Likely benign. Review status: criteria provided, multiple submitters, no conflicts (2 of 4 stars). 17 submissions from 17 submitters: Benign (7); Likely benign (5). 5 of the submissions do not count toward it. Last evaluated 2026-08-01.

Conditions:
ADGRV1-related disorder. Also called: ADGRV1-related disorders; ADGRV1-related condition.
Usher syndrome type 2C. Also called: Usher syndrome, type 2B; USHER SYNDROME, TYPE IIC. Identifiers: Orphanet 231178, Orphanet 886, MedGen C2931213, MONDO:0011558, OMIM 605472.
Febrile seizures, familial, 4 (FEB4). Also called: CONVULSIONS, FAMILIAL FEBRILE, 4. Identifiers: MedGen C1858493, MONDO:0011443, OMIM 604352.

Allele frequency attached by ClinVar (database versions not stated): TOPMed 0.00430; gnomAD 0.00466 and 0.00484; 1000 Genomes Project 0.00180; 1000 Genomes Project 30x 0.00250; gnomAD exomes 0.00426 and 0.00651; ExAC 0.00439; ESP Exome Variant Server 0.00558.
gnomAD v4.1: 10,143 of 1,613,882 alleles (0.63%); highest among the groups gnomAD compares: Non-Finnish European, 0.77%; 50 homozygotes.

Submissions (17):

CeGaT Center for Human Genetics Tuebingen
Classification: Likely benign. Last evaluated: 2026-08-01. Review status: criteria provided, single submitter. Criteria: CeGaT Center For Human Genetics Tuebingen Variant Classification Criteria Version 2. Collection method: clinical testing. Allele origin: germline. Affected: yes. Observed: 27 variant alleles.
Comment: ADGRV1: BS2

Labcorp Genetics (formerly Invitae), Labcorp
Classification: Benign. Last evaluated: 2026-02-02. Review status: criteria provided, single submitter. Criteria: Invitae Variant Classification Sherloc (09022015). Collection method: clinical testing. Allele origin: germline.

PreventionGenetics, part of Exact Sciences
Classification: Benign for ADGRV1-related condition. Last evaluated: 2025-12-15. Review status: criteria provided, single submitter. Criteria: ACMG Guidelines, 2015. Collection method: clinical testing. Allele origin: germline.
Comment: This variant is classified as benign based on ACMG/AMP sequence variant interpretation guidelines (Richards et al. 2015 PMID: 25741868, with internal and published modifications).

Illumina Laboratory Services, Illumina
Classification: Likely benign for Usher syndrome type 2C. Last evaluated: 2025-04-08. Review status: criteria provided, single submitter. Criteria: ICSLVariantClassificationCriteria RUGD 01 April 2020. Collection method: clinical testing. Allele origin: unknown.

Blueprint Genetics
Classification: Likely benign. Last evaluated: 2024-11-26. Review status: criteria provided, single submitter. Criteria: ACMG Guidelines, 2015. Collection method: clinical testing. Allele origin: germline.

ARUP Laboratories, Molecular Genetics and Genomics, ARUP Laboratories
Classification: Benign. Last evaluated: 2022-09-12. Review status: criteria provided, single submitter. Criteria: ARUP Molecular Germline Variant Investigation Process 2021. Collection method: clinical testing. Allele origin: germline.

GeneDx
Classification: Benign. Last evaluated: 2020-02-25. Review status: criteria provided, single submitter. Criteria: GeneDx Variant Classification Process June 2021. Collection method: clinical testing. Allele origin: germline. Affected: yes.
Comment: This variant is associated with the following publications: (PMID: 24498627, 30245029, 32707200)

Mendelics
Classification: Benign for Usher syndrome type 2C. Last evaluated: 2019-05-28. Review status: criteria provided, single submitter. Criteria: Mendelics Assertion Criteria 2017. Collection method: clinical testing. Allele origin: unknown.

Athena Diagnostics
Classification: Likely benign. Last evaluated: 2018-03-29. Review status: criteria provided, single submitter. Criteria: Athena Diagnostics Criteria. Collection method: clinical testing. Allele origin: germline.

Center for Pediatric Genomic Medicine, Children's Mercy Hospital and Clinics
Classification: Likely benign. Last evaluated: 2017-01-31. Review status: criteria provided, single submitter. Criteria: ACMG Guidelines, 2015. Collection method: clinical testing. Allele origin: germline.
ClinVar note: Converted during submission from Likely Benign to Likely benign.

Laboratory for Molecular Medicine, Mass General Brigham Personalized Medicine
Classification: Benign. Last evaluated: 2015-05-14. Review status: criteria provided, single submitter. Criteria: LMM Criteria. Collection method: clinical testing. Allele origin: germline. Observed: 19 variant alleles.
Comment: p.Gly2045Arg in exon 28 of GPR98: This variant is not expected to have clinical significance because it has been identified in 0.7% (480/67628) of European chro mosomes by the Exome Aggregation Consortium, including one homozygote (ExAC; dbSNP rs41308846).

Eurofins Ntd Llc (ga)
Classification: Benign. Last evaluated: 2015-01-02. Review status: criteria provided, single submitter. Criteria: EGL Classification Definitions 2015. Collection method: clinical testing. Allele origin: germline. Observed: 1 variant allele, 1 heterozygote.

Clinical Genetics DNA and cytogenetics Diagnostics Lab, Erasmus MC, Erasmus Medical Center
Classification: Likely benign. Review status: no assertion criteria provided. Collection method: clinical testing. Allele origin: germline. Affected: yes. Study: VKGL Data-share Consensus. Not counted in ClinVar's aggregate classification.

Clinical Genetics, Academic Medical Center
Classification: Benign. Review status: no assertion criteria provided. Collection method: clinical testing. Allele origin: germline. Affected: yes. Study: VKGL Data-share Consensus. Not counted in ClinVar's aggregate classification.

Diagnostic Laboratory, Department of Genetics, University Medical Center Groningen
Classification: Benign. Review status: no assertion criteria provided. Collection method: clinical testing. Allele origin: germline. Affected: yes. Study: VKGL Data-share Consensus. Not counted in ClinVar's aggregate classification.

Genome Diagnostics Laboratory, University Medical Center Utrecht
Classification: Likely benign. Review status: no assertion criteria provided. Collection method: clinical testing. Allele origin: germline. Affected: yes. Study: VKGL Data-share Consensus. Not counted in ClinVar's aggregate classification.

Genetic Services Laboratory, University of Chicago
Classification: Uncertain significance for Febrile seizures, familial, 4. Last evaluated: 2014-03-03. Review status: flagged submission. Criteria: ACMG Guidelines, 2007. Collection method: clinical testing. Allele origin: germline. Inheritance: Autosomal dominant inheritance. Not counted in ClinVar's aggregate classification.
ClinVar note: Reason: Older and outlier claim with insufficient supporting evidence

Literature cited by the submitters: PubMed 24498627 (cited by Athena Diagnostics).

NM_032119.4(ADGRV1):c.6133G>A (p.Gly2045Arg)

Gene: ADGRV1 (adhesion G protein-coupled receptor V1; plus strand). Cytogenetic location: 5q14.3.
Variant type: single nucleotide variant.
Coding change: c.6133G>A on transcript NM_032119.4 (MANE Select); coding-DNA position 6133, G replaced by A.
Protein change: p.Gly2045Arg; replaces glycine 2045 with arginine.
Molecular consequence: missense variant. On other transcripts: non-coding transcript variant (1).
Genome position (GRCh38, 1-based): chr5:90,684,054, G>A. VCF-style: chr5-90684054-G-A. GRCh37 (hg19) VCF-style: chr5-89979871-G-A.
Other names: short protein forms G2045R.
Identifiers: ClinVar variation 46348 (VCV000046348.77), dbSNP rs41308846, ClinGen allele CA138167.